The following is an entry in ClinVar:

ClinVar aggregate classification (germline): Likely benign. Review status: criteria provided, multiple submitters, no conflicts (2 of 4 stars). 4 submissions from 4 submitters: Likely benign (3). 1 of the submissions does not count toward it. Last evaluated 2026-01-23.

Conditions:
DNAJC21-related disorder. Also called: DNAJC21-related condition.

Allele frequency attached by ClinVar (database versions not stated): ExAC 0.00003; gnomAD 0.00004; TOPMed 0.00006; ESP Exome Variant Server 0.00008; gnomAD exomes 0.00009.
gnomAD v4.1: 134 of 1,611,680 alleles (0.0083%); highest among the groups gnomAD compares: Non-Finnish European, 0.01%; no homozygotes.

Submissions (4):

Labcorp Genetics (formerly Invitae), Labcorp
Classification: Likely benign. Last evaluated: 2026-01-23. Review status: criteria provided, single submitter. Criteria: Invitae Variant Classification Sherloc (09022015). Collection method: clinical testing. Allele origin: germline.

Mayo Clinic Laboratories, Mayo Clinic
Classification: Likely benign. Last evaluated: 2025-06-09. Review status: criteria provided, single submitter. Criteria: ACMG Guidelines, 2015. Collection method: clinical testing. Allele origin: germline. Observed: 2 variant alleles.
Comment: BP4, BP7

Blueprint Genetics
Classification: Likely benign. Last evaluated: 2023-12-29. Review status: criteria provided, single submitter. Criteria: ACMG Guidelines, 2015. Collection method: clinical testing. Allele origin: germline.

PreventionGenetics, part of Exact Sciences
Classification: Likely benign for DNAJC21-related condition. Last evaluated: 2019-03-15. Review status: no assertion criteria provided. Collection method: clinical testing. Allele origin: germline. Not counted in ClinVar's aggregate classification.
Comment: This variant is classified as likely benign based on ACMG/AMP sequence variant interpretation guidelines (Richards et al. 2015 PMID: 25741868, with internal and published modifications).

NM_001012339.3(DNAJC21):c.456C>T (p.Tyr152=)

Gene: DNAJC21 (DnaJ heat shock protein family (Hsp40) member C21; plus strand). Cytogenetic location: 5p13.2.
Variant type: single nucleotide variant.
Coding change: c.456C>T on transcript NM_001012339.3 (MANE Select); coding-DNA position 456, C replaced by T.
Protein change: p.Tyr152=; no amino-acid change (tyrosine 152 retained).
Molecular consequence: synonymous variant.
Genome position (GRCh38, 1-based): chr5:34,937,343, C>T. VCF-style: chr5-34937343-C-T. GRCh37 (hg19) VCF-style: chr5-34937448-C-T.
Other names: p.Tyr152=; c.456C>T (NM_001012339.2); c.456C>T, p.Tyr152= (NM_001348420.2, NM_194283.4).
Identifiers: ClinVar variation 2069195 (VCV002069195.8), dbSNP rs369667617, ClinGen allele CA3228472.